The following is an entry in ClinVar:

ClinVar aggregate classification (germline): Likely benign. Review status: criteria provided, multiple submitters, no conflicts (2 of 4 stars). 2 submissions from 2 submitters: Likely benign (2). Last evaluated 2024-12-01.

Conditions:
Inborn genetic diseases. Identifiers: MedGen C0950123, MeSH D030342.

gnomAD v4.1: 72 of 1,614,068 alleles (0.0045%); highest among the groups gnomAD compares: Non-Finnish European, 0.0058%; no homozygotes.

Submissions (2):

CeGaT Center for Human Genetics Tuebingen
Classification: Likely benign. Last evaluated: 2024-12-01. Review status: criteria provided, single submitter. Criteria: CeGaT Center For Human Genetics Tuebingen Variant Classification Criteria Version 2. Collection method: clinical testing. Allele origin: germline. Affected: yes. Observed: 1 variant allele.
Comment: SETD2: BP4, BS2

Ambry Genetics
Classification: Likely benign for Inborn genetic diseases. Last evaluated: 2024-04-09. Review status: criteria provided, single submitter. Criteria: Ambry Variant Classification Scheme 2023. Collection method: clinical testing. Allele origin: germline.

NM_014159.7(SETD2):c.3043G>A (p.Val1015Ile)

Gene: SETD2 (SET domain containing 2, histone lysine methyltransferase; minus strand). Cytogenetic location: 3p21.31.
Variant type: single nucleotide variant.
Coding change: c.3043G>A on transcript NM_014159.7 (MANE Select); coding-DNA position 3043, G replaced by A.
Protein change: p.Val1015Ile; replaces valine 1015 with isoleucine.
Molecular consequence: missense variant. On other transcripts: non-coding transcript variant (1).
Genome position (GRCh38, 1-based): chr3:47,121,593, C>T on the plus strand (G>A on the coding strand, the complement: SETD2 is on the minus strand). VCF-style: chr3-47121593-C-T. GRCh37 (hg19) VCF-style: chr3-47163083-C-T.
Other names: c.2911G>A, p.Val971Ile (NM_001349370.3); short protein forms V1015I, V971I.
Identifiers: ClinVar variation 3317721 (VCV003317721.14).